The following is an entry in ClinVar:

NM_144499.3(GNAT1):c.649ATC[1] (p.Ile218del)

Gene: GNAT1 (G protein subunit alpha transducin 1; plus strand). Cytogenetic location: 3p21.31.
Variant type: Microsatellite.
Coding change: c.649ATC[1] on transcript NM_144499.3 (MANE Select); one copy of the 3-base unit ATC starting at c.649; the reference has two copies in a row; one copy, 3 bases deleted.
Protein change: p.Ile218del; deletes isoleucine 218.
Molecular consequence: inframe deletion.
Genome position (GRCh38, 1-based): chr3:50,194,165-50,194,167, ATC deleted; deleting any 3 consecutive bases within chr3:50,194,161-50,194,167 gives the same sequence; the position shown is the placement nearest the transcript's 3' end. VCF-style (leftmost placement, unchanged base first): chr3-50194160-GCAT-G. GRCh37 (hg19) VCF-style: chr3-50231593-GCAT-G.
Other names: c.649ATC[1], p.Ile218del (NM_000172.4); short protein forms I218del.
Identifiers: ClinVar variation 2870409 (VCV002870409.3), dbSNP rs2546146247, ClinGen allele CA2577853915.

ClinVar aggregate classification (germline): Uncertain significance (1 of 4 stars; one submission).

Submission:

Labcorp Genetics (formerly Invitae), Labcorp
Classification: Uncertain significance. Last evaluated: 2023-10-23. Review status: criteria provided, single submitter. Criteria: Invitae Variant Classification Sherloc (09022015). Collection method: clinical testing. Allele origin: germline.
Comment: This variant, c.652_654del, results in the deletion of 1 amino acid(s) of the GNAT1 protein (p.Ile218del), but otherwise preserves the integrity of the reading frame. This variant is not present in population databases (gnomAD no frequency). This variant has not been reported in the literature in individuals affected with GNAT1-related conditions. Experimental studies and prediction algorithms are not available or were not evaluated, and the functional significance of this variant is currently unknown. In summary, the available evidence is currently insufficient to determine the role of this variant in disease. Therefore, it has been classified as a Variant of Uncertain Significance.